The following is an entry in ClinVar:

ClinVar aggregate classification (germline): Uncertain significance. Review status: criteria provided, multiple submitters, no conflicts (2 of 4 stars). 3 submissions from 3 submitters: Uncertain significance (3). Last evaluated 2025-06-25.

Conditions:
Hereditary cancer-predisposing syndrome. Also called: Neoplastic Syndromes, Hereditary; Tumor predisposition; Hereditary Cancer Syndrome; Hereditary neoplastic syndrome. Identifiers: Orphanet 140162, MedGen C0027672, MeSH D009386, MONDO:0015356.
Hereditary nonpolyposis colorectal neoplasms. Identifiers: MedGen C0009405, MeSH D003123.

Allele frequency attached by ClinVar (database versions not stated): TOPMed 0.00001.

Submissions (3):

Labcorp Genetics (formerly Invitae), Labcorp
Classification: Uncertain significance for Hereditary nonpolyposis colorectal neoplasms. Last evaluated: 2025-06-25. Review status: criteria provided, single submitter. Criteria: Invitae Variant Classification Sherloc (09022015). Collection method: clinical testing. Allele origin: germline.
Comment: This sequence change replaces arginine, which is basic and polar, with glycine, which is neutral and non-polar, at codon 813 of the PMS2 protein (p.Arg813Gly). The frequency data for this variant in the population databases (gnomAD) is considered unreliable due to the presence of homologous sequence, such as pseudogenes or paralogs, in the genome. This variant has not been reported in the literature in individuals affected with PMS2-related conditions. ClinVar contains an entry for this variant (Variation ID: 230493). Invitae Evidence Modeling incorporating data from in vitro experimental studies (internal data) indicates that this missense variant is not expected to disrupt PMS2 function with a negative predictive value of 95%. In summary, the available evidence is currently insufficient to determine the role of this variant in disease. Therefore, it has been classified as a Variant of Uncertain Significance.

Ambry Genetics
Classification: Uncertain significance for Hereditary cancer-predisposing syndrome. Last evaluated: 2025-05-09. Review status: criteria provided, single submitter. Criteria: Ambry Variant Classification Scheme 2023. Collection method: clinical testing. Allele origin: germline.
Comment: The p.R813G variant (also known as c.2437C>G), located in coding exon 14 of the PMS2 gene, results from a C to G substitution at nucleotide position 2437. The arginine at codon 813 is replaced by glycine, an amino acid with dissimilar properties. This amino acid position is highly conserved in available vertebrate species. In addition, this alteration is predicted to be deleterious by in silico analysis. Based on the available evidence, the clinical significance of this variant remains unclear.

Genetic Services Laboratory, University of Chicago
Classification: Uncertain significance. Last evaluated: 2016-06-23. Review status: criteria provided, single submitter. Criteria: ACMG Guidelines, 2015. Collection method: clinical testing. Allele origin: germline. Affected: no.

NM_000535.7(PMS2):c.2437C>G (p.Arg813Gly)

Gene: PMS2 (PMS1 homolog 2, mismatch repair system component; minus strand). Cytogenetic location: 7p22.1.
Variant type: single nucleotide variant.
Coding change: c.2437C>G on transcript NM_000535.7 (MANE Select); coding-DNA position 2437, C replaced by G.
Protein change: p.Arg813Gly; replaces arginine 813 with glycine.
Molecular consequence: missense variant. On other transcripts: non-coding transcript variant (1).
Genome position (GRCh38, 1-based): chr7:5,977,596, G>C on the plus strand (C>G on the coding strand, the complement: PMS2 is on the minus strand). VCF-style: chr7-5977596-G-C. GRCh37 (hg19) VCF-style: chr7-6017227-G-C.
Other names: c.2032C>G, p.Arg678Gly (NM_001322003.2, NM_001322004.2, NM_001322005.2); c.2281C>G, p.Arg761Gly (NM_001322006.2); c.2119C>G, p.Arg707Gly (NM_001322007.2, NM_001322008.2); c.2065C>G, p.Arg689Gly (NM_001322009.2); c.1876C>G, p.Arg626Gly (NM_001322010.2); c.1504C>G, p.Arg502Gly (NM_001322011.2, NM_001322012.2); c.1864C>G, p.Arg622Gly (NM_001322013.2); c.2470C>G, p.Arg824Gly (NM_001322014.2); and 1 more; short protein forms R813G, R707G, R626G, R824G, R502G, R710G, R622G, R678G.
Identifiers: ClinVar variation 230493 (VCV000230493.19), dbSNP rs375968016, ClinGen allele CA10578642.